The following is an entry in ClinVar:

ClinVar aggregate classification (germline): Uncertain significance. Review status: criteria provided, multiple submitters, no conflicts (2 of 4 stars). 3 submissions from 3 submitters: Uncertain significance (3). Last evaluated 2025-10-01.

Conditions:
Hereditary cancer-predisposing syndrome. Also called: Neoplastic Syndromes, Hereditary; Tumor predisposition; Hereditary Cancer Syndrome; Hereditary neoplastic syndrome. Identifiers: Orphanet 140162, MedGen C0027672, MeSH D009386, MONDO:0015356.
Nijmegen breakage syndrome-like disorder (NBSLD). Also called: MICROCEPHALY AND SPONTANEOUS CHROMOSOME INSTABILITY WITHOUT IMMUNODEFICIENCY; NBS-LIKE DISORDER; RAD50 DEFICIENCY. Identifiers: Orphanet 240760, MedGen C2751318, MONDO:0013118, OMIM 613078.

Allele frequency attached by ClinVar (database versions not stated): gnomAD exomes below 0.00001.
gnomAD v4.1: 1 of 1,614,030 alleles (0.000062%); highest among the groups gnomAD compares: Admixed American, 0.0017%; no homozygotes.

Submissions (3):

Labcorp Genetics (formerly Invitae), Labcorp
Classification: Uncertain significance for Hereditary cancer-predisposing syndrome. Last evaluated: 2025-10-01. Review status: criteria provided, single submitter. Criteria: Invitae Variant Classification Sherloc (09022015). Collection method: clinical testing. Allele origin: germline.
Comment: This sequence change replaces glutamic acid, which is acidic and polar, with lysine, which is basic and polar, at codon 139 of the RAD50 protein (p.Glu139Lys). This variant is present in population databases (no rsID available, gnomAD 0.003%). This variant has not been reported in the literature in individuals affected with RAD50-related conditions. ClinVar contains an entry for this variant (Variation ID: 233531). Invitae Evidence Modeling of protein sequence and biophysical properties (such as structural, functional, and spatial information, amino acid conservation, physicochemical variation, residue mobility, and thermodynamic stability) indicates that this missense variant is expected to disrupt RAD50 protein function with a positive predictive value of 80%. In summary, the available evidence is currently insufficient to determine the role of this variant in disease. Therefore, it has been classified as a Variant of Uncertain Significance.

Ambry Genetics
Classification: Uncertain significance for Hereditary cancer-predisposing syndrome. Last evaluated: 2025-04-01. Review status: criteria provided, single submitter. Criteria: Ambry Variant Classification Scheme 2023. Collection method: clinical testing. Allele origin: germline.
Comment: The p.E139K variant (also known as c.415G>A), located in coding exon 4 of the RAD50 gene, results from a G to A substitution at nucleotide position 415. The glutamic acid at codon 139 is replaced by lysine, an amino acid with similar properties. This amino acid position is highly conserved in available vertebrate species. In addition, this alteration is predicted to be deleterious by in silico analysis. Since supporting evidence is limited at this time, the clinical significance of this alteration remains unclear.

Baylor Genetics
Classification: Uncertain significance for Nijmegen breakage syndrome-like disorder. Last evaluated: 2023-05-15. Review status: criteria provided, single submitter. Criteria: ACMG Guidelines, 2015. Collection method: clinical testing. Allele origin: unknown.

NM_005732.4(RAD50):c.415G>A (p.Glu139Lys)

Gene: RAD50 (RAD50 double strand break repair protein; plus strand). Cytogenetic location: 5q31.1.
Variant type: single nucleotide variant.
Coding change: c.415G>A on transcript NM_005732.4 (MANE Select); coding-DNA position 415, G replaced by A.
Protein change: p.Glu139Lys; replaces glutamic acid 139 with lysine.
Molecular consequence: missense variant.
Genome position (GRCh38, 1-based): chr5:132,579,366, G>A. VCF-style: chr5-132579366-G-A. GRCh37 (hg19) VCF-style: chr5-131915058-G-A.
Other names: short protein forms E139K.
Identifiers: ClinVar variation 233531 (VCV000233531.17), dbSNP rs876660467, ClinGen allele CA10578486.